The following is an entry in ClinVar:

NM_022114.4(PRDM16):c.1251C>T (p.Ala417=)

Gene: PRDM16 (PR/SET domain 16; plus strand). Cytogenetic location: 1p36.32.
Variant type: single nucleotide variant.
Coding change: c.1251C>T on transcript NM_022114.4 (MANE Select); coding-DNA position 1251, C replaced by T.
Protein change: p.Ala417=; no amino-acid change (alanine 417 retained).
Molecular consequence: synonymous variant.
Genome position (GRCh38, 1-based): chr1:3,411,448, C>T. VCF-style: chr1-3411448-C-T. GRCh37 (hg19) VCF-style: chr1-3328012-C-T.
Other names: c.1251C>T, p.Ala417= (NM_199454.3).
Identifiers: ClinVar variation 3352080 (VCV003352080.1).

ClinVar aggregate classification (germline): Likely benign (0 of 4 stars; one submission).

Conditions:
PRDM16-related disorder. Also called: PRDM16-related condition.

gnomAD v4.1: 19 of 1,614,036 alleles (0.0012%); highest among the groups gnomAD compares: East Asian, 0.0089%; no homozygotes.

Submission:

PreventionGenetics, part of Exact Sciences
Classification: Likely benign for PRDM16-related condition. Last evaluated: 2019-06-26. Review status: no assertion criteria provided. Collection method: clinical testing. Allele origin: germline.
Comment: This variant is classified as likely benign based on ACMG/AMP sequence variant interpretation guidelines (Richards et al. 2015 PMID: 25741868, with internal and published modifications).